The following is an entry in ClinVar:

NM_001164277.2(SLC37A4):c.-42G>C

Gene: SLC37A4 (solute carrier family 37 member 4; minus strand). Cytogenetic location: 11q23.3.
Variant type: single nucleotide variant.
Coding change: c.-42G>C on transcript NM_001164277.2 (MANE Select); 42 bases upstream of the start codon, G replaced by C.
Molecular consequence: 5 prime UTR variant.
Genome position (GRCh38, 1-based): chr11:119,029,411, C>G on the plus strand (G>C on the coding strand, the complement: SLC37A4 is on the minus strand). VCF-style: chr11-119029411-C-G. GRCh37 (hg19) VCF-style: chr11-118900121-C-G.
Other names: c.-42G>C (NM_001164278.2, NM_001164280.2, NM_001467.6); c.-191G>C (NM_001164279.2).
Identifiers: ClinVar variation 302709 (VCV000302709.5), dbSNP rs186567090, ClinGen allele CA6311946.

ClinVar aggregate classification (germline): Likely benign (1 of 4 stars; one submission).

Conditions:
Glycogen storage disease, type I. Identifiers: Orphanet 364, MedGen C0017920, MONDO:0002413.

Allele frequency attached by ClinVar (database versions not stated): gnomAD exomes 0.00023 and 0.00062; ExAC 0.00073; 1000 Genomes Project 30x 0.00141; 1000 Genomes Project 0.00180; ESP Exome Variant Server 0.00217; gnomAD 0.00233 and 0.00253; TOPMed 0.00263.

Submission:

Illumina Laboratory Services, Illumina
Classification: Likely benign for Glycogen storage disease, type I. Last evaluated: 2018-01-13. Review status: criteria provided, single submitter. Criteria: ICSL Variant Classification Criteria 13 December 2019. Collection method: clinical testing. Allele origin: germline.
Comment: This variant was observed in the ICSL laboratory as part of a predisposition screen in an ostensibly healthy population. It had not been previously curated by ICSL or reported in the Human Gene Mutation Database (HGMD: prior to June 1st, 2018), and was therefore a candidate for classification through an automated scoring system. Utilizing variant allele frequency, disease prevalence and penetrance estimates, and inheritance mode, an automated score was calculated to assess if this variant is too frequent to cause the disease. Based on the score and internal cut-off values, a variant classified as likely benign is not then subjected to further curation. The score for this variant resulted in a classification of likely benign for this disease.